The following is an entry in ClinVar:

ClinVar aggregate classification (germline): Uncertain significance (1 of 4 stars; one submission).

Conditions:
Ornithine carbamoyltransferase deficiency (OTCD). Also called: ORNITHINE TRANSCARBAMYLASE DEFICIENCY; OTC DEFICIENCY; ORNITHINE TRANSCARBAMYLASE DEFICIENCY, HYPERAMMONEMIA DUE TO; Ornithine Carbamoyltransferase Deficiency Disease. Identifiers: Orphanet 664, MedGen C0268542, MONDO:0010703, OMIM 311250.

Submission:

Labcorp Genetics (formerly Invitae), Labcorp
Classification: Uncertain significance for Ornithine carbamoyltransferase deficiency. Last evaluated: 2020-01-30. Review status: criteria provided, single submitter. Criteria: Invitae Variant Classification Sherloc (09022015). Collection method: clinical testing. Allele origin: germline.
Comment: In summary, the available evidence is currently insufficient to determine the role of this variant in disease. Therefore, it has been classified as a Variant of Uncertain Significance. This variant disrupts the p.Pro158 amino acid residue in OTC. Other variant(s) that disrupt this residue have been observed in individuals with OTC-related conditions (PMID: 23278509, Invitae), which suggests that this may be a clinically significant amino acid residue. Algorithms developed to predict the effect of missense changes on protein structure and function (SIFT, PolyPhen-2, Align-GVGD) all suggest that this variant is likely to be disruptive, but these predictions have not been confirmed by published functional studies and their clinical significance is uncertain. This variant has been observed in individual(s) with OTC deficiency (Invitae). This variant is not present in population databases (ExAC no frequency). This sequence change replaces proline with arginine at codon 158 of the OTC protein (p.Pro158Arg). The proline residue is highly conserved and there is a moderate physicochemical difference between proline and arginine.

Literature cited by the submitters: PubMed 23278509.

NM_000531.6(OTC):c.473C>G (p.Pro158Arg)

Gene: OTC (ornithine transcarbamylase; plus strand). Cytogenetic location: Xp11.4.
Variant type: single nucleotide variant.
Coding change: c.473C>G on transcript NM_000531.6 (MANE Select); coding-DNA position 473, C replaced by G.
Protein change: p.Pro158Arg; replaces proline 158 with arginine.
Molecular consequence: missense variant.
Genome position (GRCh38, 1-based): chrX:38,401,361, C>G. VCF-style: chrX-38401361-C-G. GRCh37 (hg19) VCF-style: chrX-38260614-C-G.
Other names: short protein forms P158R.
Identifiers: ClinVar variation 1036832 (VCV001036832.10), dbSNP rs2068485732, ClinGen allele CA412723523.
Genomic context (GRCh38, chrX:38,401,361, plus strand): 5'-TATTGGCTCGAGTGTATAAACAATCAGATTTGGACACCCTGGCTAAAGAAGCATCCATCC[C>G]AATTATCAATGGGCTGTCAGATTTGTACCATCCTATCCAGATCCTGGCTGATTACCTCAC-3'
Protein context (NP_000522.3, residues 148-168): LDTLAKEASI[Pro158Arg]IINGLSDLYH